The following is an entry in ClinVar:

NM_000059.4(BRCA2):c.6937+847T>G

Gene: BRCA2 (BRCA2 DNA repair associated; plus strand). Cytogenetic location: 13q13.1.
Variant type: single nucleotide variant.
Coding change: c.6937+847T>G on transcript NM_000059.4 (MANE Select); 847 bases into the intron after coding-DNA position 6937, T replaced by G.
Molecular consequence: intron variant.
Genome position (GRCh38, 1-based): chr13:32,345,500, T>G. VCF-style: chr13-32345500-T-G. GRCh37 (hg19) VCF-style: chr13-32919637-T-G.
Other names: IVS 12+847T>G.
Identifiers: ClinVar variation 209708 (VCV000209708.24), dbSNP rs9567576, ClinGen allele CA276676.

ClinVar aggregate classification (germline): Benign. Review status: reviewed by expert panel (3 of 4 stars). 7 submissions from 7 submitters: Benign (1). 6 of the submissions do not count toward it. Last evaluated 2015-01-12.

Conditions:
Breast-ovarian cancer, familial, susceptibility to, 2 (BROVCA2). Also called: BRCA2 Hereditary Breast and Ovarian Cancer. Identifiers: Orphanet 145, MedGen C2675520, MONDO:0012933, OMIM 612555. Disease mechanism: loss of function.
Hereditary cancer-predisposing syndrome. Also called: Neoplastic Syndromes, Hereditary; Hereditary Cancer Syndrome; Tumor predisposition; Hereditary neoplastic syndrome. Identifiers: Orphanet 140162, MedGen C0027672, MeSH D009386, MONDO:0015356.
Hereditary breast ovarian cancer syndrome. Also called: Hereditary breast and/or ovarian cancer syndrome; Hereditary breast and ovarian cancer syndrome; BRCA1- and BRCA2-Associated Hereditary Breast and Ovarian Cancer; Hereditary breast and ovarian cancer; Hereditary breast and ovarian cancer syndrome (HBOC); Breast and ovarian cancer. Identifiers: Orphanet 145, MedGen C0677776, MeSH D061325, MONDO:0003582. Disease mechanism: loss of function.

Allele frequency attached by ClinVar (database versions not stated): 1000 Genomes Project 30x 0.26187; 1000 Genomes Project 0.26957; TOPMed 0.27859; gnomAD 0.28751 and 0.28931.
gnomAD v4.1: 43,790 of 151,782 alleles (29%); highest among the groups gnomAD compares: East Asian, 40%; 6,489 homozygotes.

Submissions (7):

Evidence-based Network for the Interpretation of Germline Mutant Alleles (ENIGMA)
Classification: Benign for Breast-ovarian cancer, familial 2. Last evaluated: 2015-01-12. Review status: reviewed by expert panel. Criteria: ENIGMA BRCA1/2 Classification Criteria (2015). Collection method: curation. Allele origin: germline.
Comment: Class 1 not pathogenic based on frequency >1% in an outbred sampleset. Frequency 0.3829 (Asian), 0.1728 (African), 0.2942 (European), derived from 1000 genomes (2012-04-30).

Labcorp Genetics (formerly Invitae), Labcorp
Classification: Benign for Hereditary breast ovarian cancer syndrome. Last evaluated: 2026-02-02. Review status: criteria provided, single submitter. Criteria: Invitae Variant Classification Sherloc (09022015). Collection method: clinical testing. Allele origin: germline. Not counted in ClinVar's aggregate classification.

GeneDx
Classification: Benign. Last evaluated: 2018-07-09. Review status: criteria provided, single submitter. Criteria: GeneDx Variant Classification Process June 2021. Collection method: clinical testing. Allele origin: germline. Affected: yes. Not counted in ClinVar's aggregate classification.
Comment: This variant is associated with the following publications: (PMID: 22513257)

ARUP Laboratories, Molecular Genetics and Genomics, ARUP Laboratories
Classification: Benign. Last evaluated: 2016-09-13. Review status: criteria provided, single submitter. Criteria: ARUP Molecular Germline Variant Investigation Process. Collection method: clinical testing. Allele origin: germline. Not counted in ClinVar's aggregate classification.

Color Diagnostics, LLC DBA Color Health
Classification: Benign for Hereditary cancer-predisposing syndrome. Last evaluated: 2014-12-06. Review status: criteria provided, single submitter. Criteria: ACMG Guidelines, 2015. Collection method: clinical testing. Allele origin: germline. Not counted in ClinVar's aggregate classification.

Breakthrough Genomics
Classification: Benign. Review status: criteria provided, single submitter. Criteria: ACMG Guidelines, 2015. Collection method: not provided. Allele origin: germline. Inheritance: Autosomal recessive inheritance. Affected: yes. Not counted in ClinVar's aggregate classification.

PreventionGenetics, part of Exact Sciences
Classification: Benign. Review status: criteria provided, single submitter. Criteria: ACMG Guidelines, 2015. Collection method: clinical testing. Allele origin: germline. Not counted in ClinVar's aggregate classification.